The following is an entry in ClinVar:

ClinVar aggregate classification (germline): Uncertain significance (1 of 4 stars; one submission).

Conditions:
Cardiovascular phenotype. Identifiers: MedGen CN230736.

gnomAD v4.1: 4 of 1,537,144 alleles (0.00026%); highest among the groups gnomAD compares: Non-Finnish European, 0.00035%; no homozygotes.

Submission:

Ambry Genetics
Classification: Uncertain significance for Cardiovascular phenotype. Last evaluated: 2020-01-15. Review status: criteria provided, single submitter. Criteria: Ambry Variant Classification Scheme 2023. Collection method: clinical testing. Allele origin: germline.
Comment: The p.L35V variant (also known as c.103C>G), located in coding exon 1 of the ZNF469 gene, results from a C to G substitution at nucleotide position 103. The leucine at codon 35 is replaced by valine, an amino acid with highly similar properties. This amino acid position is poorly conserved in available vertebrate species. In addition, this alteration is predicted to be tolerated by in silico analysis. Since supporting evidence is limited at this time, the clinical significance of this alteration remains unclear.

NM_001367624.2(ZNF469):c.103C>G (p.Leu35Val)

Gene: ZNF469 (zinc finger protein 469; plus strand). Cytogenetic location: 16q24.2.
Variant type: single nucleotide variant.
Coding change: c.103C>G on transcript NM_001367624.2 (MANE Select); coding-DNA position 103, C replaced by G.
Protein change: p.Leu35Val; replaces leucine 35 with valine.
Molecular consequence: missense variant.
Genome position (GRCh38, 1-based): chr16:88,427,573, C>G. VCF-style: chr16-88427573-C-G. GRCh37 (hg19) VCF-style: chr16-88493981-C-G.
Other names: NM_001127464.1:c.103C>G; short protein forms L35V.
Identifiers: ClinVar variation 1773654 (VCV001773654.2), dbSNP rs960633742, ClinGen allele CA286371274.